The following is an entry in ClinVar:

NM_000540.3(RYR1):c.12222A>T (p.Glu4074Asp)

Gene: RYR1 (ryanodine receptor 1; plus strand). Cytogenetic location: 19q13.2.
Variant type: single nucleotide variant.
Coding change: c.12222A>T on transcript NM_000540.3 (MANE Select); coding-DNA position 12222, A replaced by T.
Protein change: p.Glu4074Asp; replaces glutamic acid 4074 with aspartic acid.
Molecular consequence: missense variant.
Genome position (GRCh38, 1-based): chr19:38,548,360, A>T. VCF-style: chr19-38548360-A-T. GRCh37 (hg19) VCF-style: chr19-39039000-A-T.
Other names: c.12207A>T, p.Glu4069Asp (NM_001042723.2); short protein forms E4069D, E4074D.
Identifiers: ClinVar variation 3074386 (VCV003074386.1), dbSNP rs751531998, ClinGen allele CA405665766.

ClinVar aggregate classification (germline): Uncertain significance (1 of 4 stars; one submission).

Conditions:
Malignant hyperthermia, susceptibility to, 1 (MHS1). Also called: Anesthesia related hyperthermia; Malignant hyperpyrexia; Fulminating hyperpyrexia; Pharmacogenic myopathy; RYR1-Related Malignant Hyperthermia Susceptibility; Malignant hyperthermia suceptibility 1. Identifiers: Orphanet 423, MedGen C2930980, MONDO:0007783, OMIM 145600.

gnomAD v4.1: 1 of 1,614,170 alleles (0.000062%); highest among the groups gnomAD compares: Non-Finnish European, 0.000085%; no homozygotes.

Submission:

All of Us Research Program, National Institutes of Health
Classification: Uncertain significance for Malignant hyperthermia, susceptibility to, 1. Last evaluated: 2023-11-02. Review status: criteria provided, single submitter. Criteria: ACMG Guidelines, 2015. Collection method: clinical testing. Allele origin: germline. Inheritance: Autosomal dominant inheritance. Observed: 1 variant allele, 1 heterozygote.
Comment: This missense variant replaces glutamic acid with aspartic acid at codon 4074 of the RYR1 protein. Computational prediction suggests that this variant may not impact protein structure and function (internally defined REVEL score threshold <= 0.5, PMID: 27666373). To our knowledge, functional studies have not been reported for this variant. This variant has not been reported in individuals affected with RYR1-related disorders in the literature. This variant has not been identified in the general population by the Genome Aggregation Database (gnomAD). The available evidence is insufficient to determine the role of this variant in disease conclusively. Therefore, this variant is classified as a Variant of Uncertain Significance.

This study involves interpretation of variants in research participants for the purpose of population health screening. Participant phenotype was not available at the time of variant classification. Additional details can be found in publication PMID: 35346344, PMCID: PMC8962531